The following is an entry in ClinVar:

ClinVar aggregate classification (germline): Pathogenic/Likely pathogenic. Review status: criteria provided, multiple submitters, no conflicts (2 of 4 stars). 2 submissions from 2 submitters: Pathogenic (1); Likely pathogenic (1). Last evaluated 2025-07-15.

Conditions:
Craniosynostosis and dental anomalies (CRSDA). Also called: KREIBORG-PAKISTANI SYNDROME. Identifiers: Orphanet 284149, MedGen C3280073, MONDO:0013615, OMIM 614188.

Submissions (2):

First Genomix Gene Laboratory, Genetic Diagnostics Department
Classification: Likely pathogenic for Craniosynostosis and dental anomalies. Last evaluated: 2025-07-15. Review status: criteria provided, single submitter. Criteria: ACMG Guidelines, 2015. Collection method: clinical testing. Allele origin: germline. Inheritance: Autosomal recessive inheritance. Affected: no. Observed: 1 variant allele.

Victorian Clinical Genetics Services, Murdoch Childrens Research Institute
Classification: Pathogenic for Craniosynostosis and dental anomalies. Last evaluated: 2024-10-10. Review status: criteria provided, single submitter. Criteria: ACMG Guidelines, 2015. Collection method: clinical testing. Allele origin: germline. Inheritance: Autosomal recessive inheritance. Affected: yes.
Comment: Based on the classification scheme VCGS_Germline_v1.3.5, this variant is classified as Pathogenic. Following criteria are met: 0102 - Loss of function is a known mechanism of disease in this gene and is associated with craniosynostosis and dental anomalies (MIM#614188). (I) 0106 - This gene is associated with autosomal recessive disease. (I) 0210 - Splice site variant proven to affect splicing of the transcript with a known effect on protein sequence. RNAseq and RT-PCR have shown that this variant causes three splicing effects; exon four skipping, intron four retention, and activation of a cryptic donor splice site with exon four skipping. All three of these outcomes create premature termination codons that are predicted to undergo nonsense-mediated decay. (SP) 0252 - This variant is homozygous. (I) 0301 - Variant is absent from gnomAD (v2, v3 and v4). (SP) 0702 - Other NMD-predicted variants comparable to the one identified in this case have strong previous evidence for pathogenicity. These variants have been classified as pathogenic or likely pathogenic in ClinVar, or observed in individuals with IL11RA-related features (PMIDs: 21741611, 24498618). (SP) 0803 - This variant has limited previous evidence of pathogenicity in an unrelated individual. This variant has been reported in a single homozygous individual with IL11RA-related features (PMID: 32860008). (SP) 0905 - No published segregation evidence has been identified for this variant. (I) 1102 - Strong phenotype match for this individual. (SP) 1209 - This variant has been shown to be both maternally and paternally inherited (biallelic). (I) Legend: (SP) - Supporting pathogenic, (I) - Information, (SB) - Supporting benign

Literature cited by the submitters: PubMed 21741611 (cited by Victorian Clinical Genetics Services, Murdoch Childrens Research Institute); PubMed 24498618 (cited by Victorian Clinical Genetics Services, Murdoch Childrens Research Institute); PubMed 32860008 (cited by Victorian Clinical Genetics Services, Murdoch Childrens Research Institute).

NM_001142784.3(IL11RA):c.331+6T>G

Gene: IL11RA (interleukin 11 receptor subunit alpha; plus strand). Cytogenetic location: 9p13.3.
Variant type: single nucleotide variant.
Coding change: c.331+6T>G on transcript NM_001142784.3 (MANE Select); 6 bases into the intron after coding-DNA position 331, T replaced by G.
Molecular consequence: intron variant.
Genome position (GRCh38, 1-based): chr9:34,656,914, T>G. VCF-style: chr9-34656914-T-G. GRCh37 (hg19) VCF-style: chr9-34656911-T-G.
Identifiers: ClinVar variation 3254791 (VCV003254791.3), dbSNP rs2492900300.
Genomic context (GRCh38, chr9:34,656,914, plus strand): 5'-ATCTGCCAGACCCTGGATGGTGCACTTGGGGGCACAGTGACCCTGCAGCTGGGCTGTGAG[T>G]TGGGGAGGGTGGCACTGATGACACATAGGGATCCTGAGGGAGTATGGGACCTAAGTAAGC-3'